The following is an entry in ClinVar:

ClinVar aggregate classification (germline): Benign/Likely benign. Review status: criteria provided, multiple submitters, no conflicts (2 of 4 stars). 4 submissions from 4 submitters: Benign (2); Likely benign (2). Last evaluated 2026-09-01.

Allele frequency attached by ClinVar (database versions not stated): 1000 Genomes Project 0.00140; 1000 Genomes Project 30x 0.00203; ExAC 0.00269; TOPMed 0.00339; gnomAD 0.00346 and 0.00385; ESP Exome Variant Server 0.00423.
gnomAD v4.1: 7,925 of 1,614,044 alleles (0.49%); highest among the groups gnomAD compares: Non-Finnish European, 0.62%; 27 homozygotes.

Submissions (4):

CeGaT Center for Human Genetics Tuebingen
Classification: Likely benign. Last evaluated: 2026-09-01. Review status: criteria provided, single submitter. Criteria: CeGaT Center For Human Genetics Tuebingen Variant Classification Criteria Version 2. Collection method: clinical testing. Allele origin: germline. Affected: yes. Observed: 13 variant alleles.
Comment: MAP3K20: BS2

Labcorp Genetics (formerly Invitae), Labcorp
Classification: Benign. Last evaluated: 2026-02-01. Review status: criteria provided, single submitter. Criteria: Invitae Variant Classification Sherloc (09022015). Collection method: clinical testing. Allele origin: germline.

Mayo Clinic Laboratories, Mayo Clinic
Classification: Benign. Last evaluated: 2025-06-24. Review status: criteria provided, single submitter. Criteria: ACMG Guidelines, 2015. Collection method: clinical testing. Allele origin: germline. Observed: 3 variant alleles.
Comment: BS1, BS2, BP4, BP7

Blueprint Genetics
Classification: Likely benign. Last evaluated: 2024-11-21. Review status: criteria provided, single submitter. Criteria: ACMG Guidelines, 2015. Collection method: clinical testing. Allele origin: germline.

NM_016653.3(MAP3K20):c.843G>A (p.Ala281=)

Genes: MAP3K20 (mitogen-activated protein kinase kinase kinase 20; plus strand), MAP3K20-AS1 (MAP3K20 antisense RNA 1; minus strand). Cytogenetic location: 2q31.1.
Variant type: single nucleotide variant.
Coding change: c.843G>A on transcript NM_016653.3 (MANE Select); coding-DNA position 843, G replaced by A.
Protein change: p.Ala281=; no amino-acid change (alanine 281 retained).
Molecular consequence: synonymous variant. On other transcripts: non-coding transcript variant (1).
Genome position (GRCh38, 1-based): chr2:173,209,827, G>A. VCF-style: chr2-173209827-G-A. GRCh37 (hg19) VCF-style: chr2-174074555-G-A.
Other names: p.Ala281=; c.843G>A, p.Ala281= (NM_133646.3).
Identifiers: ClinVar variation 773489 (VCV000773489.45), dbSNP rs55824253, ClinGen allele CA1970539.
Genomic context (GRCh38, chr2:173,209,827, plus strand): 5'-GTCCATGTCAAATGACACGAGCCTTCCTGACAAGTGTAACTCATTCCTACACAACAAGGC[G>A]GAGTGGAGGTGGGTAGCCCCGACAGCAGGCCACAGCGTCTGGCTTTCAAAGACCATCACT-3'
Protein context (NP_057737.2, residues 271-291): DKCNSFLHNK[Ala281=]EWRCEIEATL